The following is an entry in ClinVar:

ClinVar aggregate classification (germline): Likely benign (0 of 4 stars; one submission).

Conditions:
AKR1C4-related disorder. Also called: AKR1C4-related condition.

Allele frequency attached by ClinVar (database versions not stated): gnomAD exomes below 0.00001; TOPMed below 0.00001.

Submission:

PreventionGenetics, part of Exact Sciences
Classification: Likely benign for AKR1C4-related condition. Last evaluated: 2022-04-06. Review status: no assertion criteria provided. Collection method: clinical testing. Allele origin: germline.
Comment: This variant is classified as likely benign based on ACMG/AMP sequence variant interpretation guidelines (Richards et al. 2015 PMID: 25741868, with internal and published modifications).

NM_001818.5(AKR1C4):c.18G>A (p.Gln6=)

Gene: AKR1C4 (aldo-keto reductase family 1 member C4; plus strand). Cytogenetic location: 10p15.1.
Variant type: single nucleotide variant.
Coding change: c.18G>A on transcript NM_001818.5 (MANE Select); coding-DNA position 18, G replaced by A.
Protein change: p.Gln6=; no amino-acid change (glutamine 6 retained).
Molecular consequence: synonymous variant.
Genome position (GRCh38, 1-based): chr10:5,196,885, G>A. VCF-style: chr10-5196885-G-A. GRCh37 (hg19) VCF-style: chr10-5238848-G-A.
Identifiers: ClinVar variation 3049791 (VCV003049791.2), dbSNP rs1554796362, ClinGen allele CA467991761.
Genomic context (GRCh38, chr10:5,196,885, plus strand): 5'-GCTGAAGGAAACAGGATCTGCTTAGTGAAAGAAGTGGCAAGCAATGGATCCCAAATATCA[G>A]CGTGTAGAGCTAAATGATGGTCACTTCATGCCCGTATTGGGATTTGGCACCTATGCACCT-3'
Protein context (NP_001809.4, residues 1-16): MDPKY[Gln6=]RVELNDGHFM